The following is an entry in ClinVar:

NM_000245.4(MET):c.1555G>A (p.Gly519Ser)

Gene: MET (MET proto-oncogene, receptor tyrosine kinase; plus strand). Cytogenetic location: 7q31.2.
Variant type: single nucleotide variant.
Coding change: c.1555G>A on transcript NM_000245.4 (MANE Select); coding-DNA position 1555, G replaced by A.
Protein change: p.Gly519Ser; replaces glycine 519 with serine.
Molecular consequence: missense variant.
Genome position (GRCh38, 1-based): chr7:116,740,879, G>A. VCF-style: chr7-116740879-G-A. GRCh37 (hg19) VCF-style: chr7-116380933-G-A.
Other names: c.1555G>A, p.Gly519Ser (NM_001127500.3, NM_001324401.3); c.265G>A, p.Gly89Ser (NM_001324402.2); short protein forms G519S, G89S.
Identifiers: ClinVar variation 2704774 (VCV002704774.3), dbSNP rs2116834390, ClinGen allele CA368975069.
Genomic context (GRCh38, chr7:116,740,879, plus strand): 5'-TCTGGAAGCTCTTTCCACCCCTTCTCTTCACAGATCACGAAGATCCCATTGAATGGCTTG[G>A]GCTGCAGACATTTCCAGTCCTGCAGTCAATGCCTCTCTGCCCCACCCTTTGTTCAGTGTG-3'
Protein context (NP_000236.2, residues 509-529): KITKIPLNGL[Gly519Ser]CRHFQSCSQC

ClinVar aggregate classification (germline): Uncertain significance (1 of 4 stars; one submission).

Conditions:
Renal cell carcinoma. Identifiers: Orphanet 217071, MedGen C0007134, MeSH D002292, MONDO:0005086, HP:0005584.

Submission:

Labcorp Genetics (formerly Invitae), Labcorp
Classification: Uncertain significance for Renal cell carcinoma. Last evaluated: 2023-06-09. Review status: criteria provided, single submitter. Criteria: Invitae Variant Classification Sherloc (09022015). Collection method: clinical testing. Allele origin: germline.
Comment: This variant has not been reported in the literature in individuals affected with MET-related conditions. This variant is not present in population databases (gnomAD no frequency). This sequence change replaces glycine, which is neutral and non-polar, with serine, which is neutral and polar, at codon 519 of the MET protein (p.Gly519Ser). Advanced modeling of protein sequence and biophysical properties (such as structural, functional, and spatial information, amino acid conservation, physicochemical variation, residue mobility, and thermodynamic stability) performed at Invitae indicates that this missense variant is not expected to disrupt MET protein function. In summary, the available evidence is currently insufficient to determine the role of this variant in disease. Therefore, it has been classified as a Variant of Uncertain Significance.